The following is an entry in ClinVar:

ClinVar aggregate classification (germline): Uncertain significance. Review status: criteria provided, multiple submitters, no conflicts (2 of 4 stars). 3 submissions from 3 submitters: Uncertain significance (2). 1 of the submissions does not count toward it. Last evaluated 2025-01-28.

Conditions:
Cutis laxa, autosomal dominant 3 (ADCL3). Identifiers: Orphanet 90348, MedGen C4225268, MONDO:0014706, OMIM 616603.
de Barsy syndrome. Also called: Cutis laxa-corneal clouding-oligophrenia syndrome. Identifiers: Orphanet 2962, MedGen C0268354, MONDO:0017569.
Autosomal dominant spastic paraplegia type 9. Identifiers: MedGen C1832669, MONDO:0015091.
ALDH18A1-related disorder. Also called: ALDH18A1-related disorders.

Allele frequency attached by ClinVar (database versions not stated): ExAC 0.00002; gnomAD 0.00002; TOPMed 0.00002; gnomAD exomes 0.00007; ESP Exome Variant Server 0.00008.
gnomAD v4.1: 94 of 1,592,198 alleles (0.0059%); highest among the groups gnomAD compares: Non-Finnish European, 0.0074%; no homozygotes.

Submissions (3):

GeneDx
Classification: Uncertain significance. Last evaluated: 2025-01-28. Review status: criteria provided, single submitter. Criteria: GeneDx Variant Classification Process June 2021. Collection method: clinical testing. Allele origin: germline.
Comment: In silico analysis indicates that this missense variant does not alter protein structure/function; Has not been previously published as pathogenic or benign to our knowledge

Labcorp Genetics (formerly Invitae), Labcorp
Classification: Uncertain significance for Autosomal dominant spastic paraplegia type 9; de Barsy syndrome; Cutis laxa, autosomal dominant 3. Last evaluated: 2024-06-19. Review status: criteria provided, single submitter. Criteria: Invitae Variant Classification Sherloc (09022015). Collection method: clinical testing. Allele origin: germline.
Comment: This sequence change replaces arginine, which is basic and polar, with glutamine, which is neutral and polar, at codon 514 of the ALDH18A1 protein (p.Arg514Gln). The frequency data for this variant in the population databases is considered unreliable, as metrics indicate poor data quality at this position in the gnomAD database. This variant has not been reported in the literature in individuals affected with ALDH18A1-related conditions. ClinVar contains an entry for this variant (Variation ID: 1978138). Advanced modeling of protein sequence and biophysical properties (such as structural, functional, and spatial information, amino acid conservation, physicochemical variation, residue mobility, and thermodynamic stability) performed at Invitae indicates that this missense variant is not expected to disrupt ALDH18A1 protein function with a negative predictive value of 95%. In summary, the available evidence is currently insufficient to determine the role of this variant in disease. Therefore, it has been classified as a Variant of Uncertain Significance.

PreventionGenetics, part of Exact Sciences
Classification: Uncertain significance for ALDH18A1-related condition. Last evaluated: 2024-05-17. Review status: no assertion criteria provided. Collection method: clinical testing. Allele origin: germline. Not counted in ClinVar's aggregate classification.
Comment: The ALDH18A1 c.1541G>A variant is predicted to result in the amino acid substitution p.Arg514Gln. To our knowledge, this variant has not been reported in the literature. This variant is reported in 0.0055% of alleles in individuals of East Asian descent in gnomAD. At this time, the clinical significance of this variant is uncertain due to the absence of conclusive functional and genetic evidence.

NM_002860.4(ALDH18A1):c.1541G>A (p.Arg514Gln)

Gene: ALDH18A1 (aldehyde dehydrogenase 18 family member A1; minus strand). Cytogenetic location: 10q24.1.
Variant type: single nucleotide variant.
Coding change: c.1541G>A on transcript NM_002860.4 (MANE Select); coding-DNA position 1541, G replaced by A.
Protein change: p.Arg514Gln; replaces arginine 514 with glutamine.
Molecular consequence: missense variant.
Genome position (GRCh38, 1-based): chr10:95,616,541, C>T on the plus strand (G>A on the coding strand, the complement: ALDH18A1 is on the minus strand). VCF-style: chr10-95616541-C-T. GRCh37 (hg19) VCF-style: chr10-97376298-C-T.
Other names: c.1541G>A (NM_002860.3); c.1535G>A, p.Arg512Gln (NM_001017423.2, NM_001323415.2); c.1208G>A, p.Arg403Gln (NM_001323412.2, NM_001323416.2); c.1541G>A, p.Arg514Gln (NM_001323413.2, NM_001323414.2); c.1436G>A, p.Arg479Gln (NM_001323417.2); c.1202G>A, p.Arg401Gln (NM_001323418.2); c.905G>A, p.Arg302Gln (NM_001323419.2); short protein forms R403Q, R479Q, R302Q, R401Q, R512Q, R514Q.
Identifiers: ClinVar variation 1978138 (VCV001978138.7), dbSNP rs141687744, ClinGen allele CA5620289.